The following is an entry in ClinVar:

ClinVar aggregate classification (germline): Uncertain significance (1 of 4 stars; one submission).

Conditions:
Cardiac malformation, cleft lip/palate, microcephaly, and digital anomalies. Also called: CLEFT PALATE, CARDIAC DEFECTS, AND IMPAIRED INTELLECTUAL DEVELOPMENT. Identifiers: MedGen C1832950, MONDO:0010970, OMIM 600987.

Submission:

OLLIN Analises Genomicas, OLLIN
Classification: Uncertain significance for Cardiac malformation, cleft lip/palate, microcephaly, and digital anomalies. Last evaluated: 2026-08-06. Review status: criteria provided, single submitter. Criteria: ACMG Guidelines 2015 PMID 25741868. Collection method: clinical testing. Allele origin: germline. Inheritance: Autosomal dominant inheritance.
Comment: This missense variant, located in exon 8 (of 12), is absent from gnomAD and ClinVar and has not been identified in the literature. In silico analysis predicts that this variant has a deleterious effect. This gene is constrained for missense variation. According to the currently available evidence, this variant has been classified as uncertain significance (PM2_P, PP2, PP3).

NM_170675.5(MEIS2):c.758A>T (p.Asp253Val)

Gene: MEIS2 (Meis homeobox 2; minus strand). Cytogenetic location: 15q14.
Variant type: single nucleotide variant.
Coding change: c.758A>T on transcript NM_170675.5 (MANE Select); coding-DNA position 758, A replaced by T.
Protein change: p.Asp253Val; replaces aspartic acid 253 with valine.
Molecular consequence: missense variant. On other transcripts: non-coding transcript variant (1).
Genome position (GRCh38, 1-based): chr15:37,036,956, T>A on the plus strand (A>T on the coding strand, the complement: MEIS2 is on the minus strand). VCF-style: chr15-37036956-T-A. GRCh37 (hg19) VCF-style: chr15-37329157-T-A.
Other names: c.758A>T, p.Asp253Val (NM_001220482.2, NM_170674.5, NM_170676.5 and 1 more transcripts); c.719A>T, p.Asp240Val (NM_002399.4, NM_172315.3); c.494A>T, p.Asp165Val (NM_172316.3); short protein forms D240V, D253V, D165V.
Identifiers: ClinVar variation 5002874 (VCV005002874.1).